The following is an entry in ClinVar:

NM_000130.5(F5):c.6419G>A (p.Gly2140Asp)

Gene: F5 (coagulation factor V; minus strand). Cytogenetic location: 1q24.2.
Variant type: single nucleotide variant.
Coding change: c.6419G>A on transcript NM_000130.5 (MANE Select); coding-DNA position 6419, G replaced by A.
Protein change: p.Gly2140Asp; replaces glycine 2140 with aspartic acid.
Molecular consequence: missense variant.
Genome position (GRCh38, 1-based): chr1:169,515,553, C>T on the plus strand (G>A on the coding strand, the complement: F5 is on the minus strand). VCF-style: chr1-169515553-C-T. GRCh37 (hg19) VCF-style: chr1-169484791-C-T.
Other names: short protein forms G2140D.
Identifiers: ClinVar variation 4535586 (VCV004535586.1).

ClinVar aggregate classification (germline): Uncertain significance (1 of 4 stars; one submission).

gnomAD v4.1: 2 of 1,613,526 alleles (0.00012%); highest among the groups gnomAD compares: South Asian, 0.0011%; no homozygotes.

Submission:

Women's Health and Genetics/Laboratory Corporation of America, LabCorp
Classification: Uncertain significance. Last evaluated: 2025-09-11. Review status: criteria provided, single submitter. Criteria: LabCorp Variant Classification Summary - May 2015. Collection method: clinical testing. Allele origin: germline.
Comment: Variant summary: F5 c.6419G>A (p.Gly2140Asp) results in a non-conservative amino acid change in the encoded protein sequence. Algorithms developed to predict the effect of missense changes on protein structure and function all suggest that this variant is likely to be disruptive. The variant allele was found at a frequency of 4e-06 in 250984 control chromosomes. c.6419G>A has been observed in at-least one individual affected with congenital FV deficiency (Duckers_2010). These data indicate that the variant may be associated with disease. At least one publication reports experimental evidence evaluating an impact on protein function. The most pronounced variant effect results in about 25%-50% of normal F5 levels using patients cells (Duckers_2010). The following publication has been ascertained in the context of this evaluation (PMID: 19861681). No submitters have cited clinical-significance assessments for this variant to ClinVar. Based on the evidence outlined above, the variant was classified as VUS-possibly pathogenic.

Literature cited by the submitters: PubMed 19861681.